The following is an entry in ClinVar:

NM_015259.6(ICOSLG):c.220G>A (p.Glu74Lys)

Gene: ICOSLG (inducible T cell costimulator ligand; minus strand). Cytogenetic location: 21q22.3.
Variant type: single nucleotide variant.
Coding change: c.220G>A on transcript NM_015259.6 (MANE Select); coding-DNA position 220, G replaced by A.
Protein change: p.Glu74Lys; replaces glutamic acid 74 with lysine.
Molecular consequence: missense variant. On other transcripts: 5 prime UTR variant (1), intron variant (1).
Genome position (GRCh38, 1-based): chr21:44,237,053, C>T on the plus strand (G>A on the coding strand, the complement: ICOSLG is on the minus strand). VCF-style: chr21-44237053-C-T. GRCh37 (hg19) VCF-style: chr21-45656936-C-T.
Other names: c.220G>A, p.Glu74Lys (NM_001283050.2, NM_001395918.1); c.-36G>A (NM_001283052.2); c.139G>A, p.Glu47Lys (NM_001365759.2); c.55+1395G>A (NM_001283051.2); short protein forms E74K, E47K.
Identifiers: ClinVar variation 3005047 (VCV003005047.3), dbSNP rs2040126643, ClinGen allele CA410616343.

ClinVar aggregate classification (germline): Uncertain significance (1 of 4 stars; one submission).

Submission:

Labcorp Genetics (formerly Invitae), Labcorp
Classification: Uncertain significance. Last evaluated: 2024-02-23. Review status: criteria provided, single submitter. Criteria: Invitae Variant Classification Sherloc (09022015). Collection method: clinical testing. Allele origin: germline.
Comment: This sequence change replaces glutamic acid, which is acidic and polar, with lysine, which is basic and polar, at codon 74 of the ICOSLG protein (p.Glu74Lys). This variant is not present in population databases (gnomAD no frequency). This variant has not been reported in the literature in individuals affected with ICOSLG-related conditions. An algorithm developed to predict the effect of missense changes on protein structure and function (PolyPhen-2) suggests that this variant is likely to be tolerated. In summary, the available evidence is currently insufficient to determine the role of this variant in disease. Therefore, it has been classified as a Variant of Uncertain Significance.